The following is an entry in ClinVar:

NM_000381.4(MID1):c.757-5721del

Gene: MID1 (midline 1; minus strand). Cytogenetic location: Xp22.2.
Variant type: Deletion.
Coding change: c.757-5721del on transcript NM_000381.4 (MANE Select); 5721 bases into the intron before coding-DNA position 757, one base deleted (G; older notation c.757-5721delG).
Molecular consequence: intron variant. On other transcripts: frameshift variant (1).
Genome position (GRCh38, 1-based): chrX:10,501,412, C deleted on the plus strand (G on the coding strand, the reverse complement: MID1 is on the minus strand). VCF-style (leftmost placement, unchanged base first): chrX-10501411-TC-T. GRCh37 (hg19) VCF-style: chrX-10469451-TC-T.
Other names: c.904del, p.Glu302fs (NM_001193278.1); c.757-5721del (NM_033290.4, NM_001098624.2, NM_001347733.2 and 2 more transcripts); c.643-5721del (NM_033289.2, NM_001193280.1); short protein forms E302fs.
Identifiers: ClinVar variation 2662087 (VCV002662087.1), dbSNP rs2519050261, ClinGen allele CA2695200153.

ClinVar aggregate classification (germline): Uncertain significance (1 of 4 stars; one submission).

Submission:

GeneDx
Classification: Uncertain significance. Last evaluated: 2023-04-18. Review status: criteria provided, single submitter. Criteria: GeneDx Variant Classification Process June 2021. Collection method: clinical testing. Allele origin: germline. Affected: yes.
Comment: Not observed at significant frequency in large population cohorts (gnomAD); Frameshift variant predicted to result in protein truncation or nonsense mediated decay in a gene for which loss of function is a known mechanism of disease; Has not been previously published as pathogenic or benign to our knowledge; Reported using an alternate transcript of the gene